The following is an entry in ClinVar:

ClinVar aggregate classification (germline): Uncertain significance (1 of 4 stars; one submission).

Allele frequency attached by ClinVar (database versions not stated): gnomAD 0.00001; TOPMed 0.00001; ExAC 0.00007.
gnomAD v4.1: 55 of 1,612,836 alleles (0.0034%); highest among the groups gnomAD compares: South Asian, 0.033%; no homozygotes.

Submission:

Labcorp Genetics (formerly Invitae), Labcorp
Classification: Uncertain significance. Last evaluated: 2025-08-20. Review status: criteria provided, single submitter. Criteria: Invitae Variant Classification Sherloc (09022015). Collection method: clinical testing. Allele origin: germline.
Comment: This sequence change affects codon 214 of the ACVR1 mRNA. It is a 'silent' change, meaning that it does not change the encoded amino acid sequence of the ACVR1 protein. It affects a nucleotide within the consensus splice site. This variant is present in population databases (no rsID available, gnomAD 0.04%), and has an allele count higher than expected for a pathogenic variant. This variant has not been reported in the literature in individuals affected with ACVR1-related conditions. ClinVar contains an entry for this variant (Variation ID: 3021443). Algorithms developed to predict the effect of sequence changes on RNA splicing suggest that this variant is not likely to affect RNA splicing. In summary, the available evidence is currently insufficient to determine the role of this variant in disease. Therefore, it has been classified as a Variant of Uncertain Significance.

NM_001111067.4(ACVR1):c.642C>T (p.Val214=)

Gene: ACVR1 (activin A receptor type 1; minus strand). Cytogenetic location: 2q24.1.
Variant type: single nucleotide variant.
Coding change: c.642C>T on transcript NM_001111067.4 (MANE Select); coding-DNA position 642, C replaced by T.
Protein change: p.Val214=; no amino-acid change (valine 214 retained).
Molecular consequence: synonymous variant.
Genome position (GRCh38, 1-based): chr2:157,774,089, G>A on the plus strand (C>T on the coding strand, the complement: ACVR1 is on the minus strand). VCF-style: chr2-157774089-G-A. GRCh37 (hg19) VCF-style: chr2-158630601-G-A.
Other names: c.642C>T, p.Val214= (NM_001105.5, NM_001347663.1, NM_001347664.1 and 3 more transcripts).
Identifiers: ClinVar variation 3021443 (VCV003021443.3), dbSNP rs1393779648, ClinGen allele CA1919105.